The following is an entry in ClinVar:

ClinVar aggregate classification (germline): Benign (1 of 4 stars; one submission).

Allele frequency attached by ClinVar (database versions not stated): TOPMed 0.00651; ESP Exome Variant Server 0.00684; 1000 Genomes Project 0.00699; 1000 Genomes Project 30x 0.00734; gnomAD 0.00878; ExAC 0.01025.
gnomAD v4.1: 17,382 of 1,525,928 alleles (1.1%); highest among the groups gnomAD compares: East Asian, 1.4%; 148 homozygotes.

Submission:

CeGaT Center for Human Genetics Tuebingen
Classification: Benign. Last evaluated: 2023-01-01. Review status: criteria provided, single submitter. Criteria: CeGaT Center For Human Genetics Tuebingen Variant Classification Criteria Version 2. Collection method: clinical testing. Allele origin: germline. Affected: yes. Observed: 1 variant allele.
Comment: PCNX1: BS1, BS2

NM_014982.3(PCNX1):c.4339-21G>C

Gene: PCNX1 (pecanex 1; plus strand). Cytogenetic location: 14q24.2.
Variant type: single nucleotide variant.
Coding change: c.4339-21G>C on transcript NM_014982.3 (MANE Select); 21 bases into the intron before coding-DNA position 4339, G replaced by C.
Molecular consequence: intron variant.
Genome position (GRCh38, 1-based): chr14:71,050,631, G>C. VCF-style: chr14-71050631-G-C. GRCh37 (hg19) VCF-style: chr14-71517348-G-C.
Other names: c.4006-21G>C (NM_001308160.2).
Identifiers: ClinVar variation 2644352 (VCV002644352.24), dbSNP rs117022991, ClinGen allele CA7251707.